The following is an entry in ClinVar:

NM_000130.5(F5):c.5693C>T (p.Thr1898Met)

Gene: F5 (coagulation factor V; minus strand). Cytogenetic location: 1q24.2.
Variant type: single nucleotide variant.
Coding change: c.5693C>T on transcript NM_000130.5 (MANE Select); coding-DNA position 5693, C replaced by T.
Protein change: p.Thr1898Met; replaces threonine 1898 with methionine.
Molecular consequence: missense variant.
Genome position (GRCh38, 1-based): chr1:169,525,924, G>A on the plus strand (C>T on the coding strand, the complement: F5 is on the minus strand). VCF-style: chr1-169525924-G-A. GRCh37 (hg19) VCF-style: chr1-169495162-G-A.
Other names: short protein forms T1898M.
Identifiers: ClinVar variation 1302738 (VCV001302738.5), dbSNP rs367819569, ClinGen allele CA1233440.
Genomic context (GRCh38, chr1:169,525,924, plus strand): 5'-TCCTGCCAAACCAAATATCACATGGCTCTTGTGATACCTCTGTCCATGATAAGAAATGGC[G>A]TTTGCATCCCTGCTCTCTGGTTTTCTCCAACCTCTGTGTTTAGGAGCCACCAGCCAGGTT-3'
Protein context (NP_000121.2, residues 1888-1908): VGENQRAGMQ[Thr1898Met]PFLIMDRDCR

ClinVar aggregate classification (germline): Uncertain significance. Review status: criteria provided, multiple submitters, no conflicts (2 of 4 stars). 3 submissions from 3 submitters: Uncertain significance (2). 1 of the submissions does not count toward it. Last evaluated 2021-05-11.

Conditions:
F5-related disorder. Also called: F5-related condition.

Allele frequency attached by ClinVar (database versions not stated): ExAC 0.00002; gnomAD exomes 0.00002; gnomAD 0.00004; TOPMed 0.00005; ESP Exome Variant Server 0.00015.
gnomAD v4.1: 28 of 1,612,778 alleles (0.0017%); highest among the groups gnomAD compares: African/African-American, 0.0053%; no homozygotes.

Submissions (3):

Blueprint Genetics
Classification: Uncertain significance. Last evaluated: 2021-05-11. Review status: criteria provided, single submitter. Criteria: ACMG Guidelines, 2015. Collection method: clinical testing. Allele origin: germline.

GeneDx
Classification: Uncertain significance. Last evaluated: 2021-03-16. Review status: criteria provided, single submitter. Criteria: GeneDx Variant Classification Process June 2021. Collection method: clinical testing. Allele origin: germline. Affected: yes.
Comment: In silico analysis supports that this missense variant has a deleterious effect on protein structure/function; This variant is associated with the following publications: (PMID: 19486170)

PreventionGenetics, part of Exact Sciences
Classification: Uncertain significance for F5-related condition. Last evaluated: 2024-01-05. Review status: no assertion criteria provided. Collection method: clinical testing. Allele origin: germline. Not counted in ClinVar's aggregate classification.
Comment: The F5 c.5693C>T variant is predicted to result in the amino acid substitution p.Thr1898Met. Using legacy nomenclature this variant is also referred to as p.Thr1870Met. This variant has been reported in the homozygous and compound heterozygous states in individual with Factor V deficiency (Patients 16 and 31, Delev et al. 2009. PubMed ID: 19486170). This variant is reported in 0.016% of alleles in individuals of African descent in gnomAD. At this time, the clinical significance of this variant is uncertain due to the absence of conclusive functional and genetic evidence.